The following is an entry in ClinVar:

ClinVar aggregate classification (germline): Pathogenic. Review status: criteria provided, multiple submitters, no conflicts (2 of 4 stars). 5 submissions from 5 submitters: Pathogenic (5). Last evaluated 2025-07-03.

Conditions:
Becker muscular dystrophy, Cardiomyopathy, Duchenne muscular dystrophy, Dystrophin deficiency.
Duchenne muscular dystrophy (DMD). Also called: Duchenne Muscular Dystrophy (DMD); MUSCULAR DYSTROPHY, PSEUDOHYPERTROPHIC PROGRESSIVE, DUCHENNE TYPE. Identifiers: Orphanet 98896, MedGen C0013264, MONDO:0010679, OMIM 310200.

Submissions (5):

Natera, Inc.
Classification: Pathogenic for Becker muscular dystrophy, Cardiomyopathy, Duchenne muscular dystrophy, Dystrophin deficiency. Last evaluated: 2025-07-03. Review status: criteria provided, single submitter. Criteria: Natera Variant Classification Schema (03/2026). Collection method: clinical testing. Allele origin: germline.
Comment: The c.1529_1530del variant in DMD is a frameshift variant predicted to shift the reading frame beginning at codon 510 and leads to a stop codon 8 codons downstream. This variant is expected to result in nonsense mediated decay, truncation, or a dysfunctional protein product. This variant is rare in the general population with a frequency below the threshold expected for the associated phenotype(s). This variant has been observed in affected individual(s) with monoallelic occurrence (heterozygous/hemizygous) (PMID: 39588385). Given the available evidence, this variant is classified as Pathogenic.

Revvity Omics, Revvity
Classification: Pathogenic. Last evaluated: 2022-11-07. Review status: criteria provided, single submitter. Criteria: ACMG Guidelines, 2015. Collection method: clinical testing. Allele origin: germline.

Kariminejad - Najmabadi Pathology & Genetics Center
Classification: Pathogenic for Duchenne muscular dystrophy. Last evaluated: 2021-06-28. Review status: criteria provided, single submitter. Criteria: ACMG Guidelines, 2015. Collection method: clinical testing. Allele origin: germline. Inheritance: X-linked inheritance. Affected: yes.
Comment: PM2, PVS1, PP5

Labcorp Genetics (formerly Invitae), Labcorp
Classification: Pathogenic for Duchenne muscular dystrophy. Last evaluated: 2019-08-09. Review status: criteria provided, single submitter. Criteria: Invitae Variant Classification Sherloc (09022015). Collection method: clinical testing. Allele origin: germline.
Comment: This variant has been observed to be de novo in an individual affected with Duchenne muscular dystrophy (PMID: 25007885). ClinVar contains an entry for this variant (Variation ID: 94472). Loss-of-function variants in DMD are known to be pathogenic (PMID: 16770791, 25007885). For these reasons, this variant has been classified as Pathogenic. This sequence change creates a premature translational stop signal (p.Leu510Hisfs*8) in the DMD gene. It is expected to result in an absent or disrupted protein product. This variant is not present in population databases (ExAC no frequency).

Eurofins Ntd Llc (ga)
Classification: Pathogenic. Last evaluated: 2013-10-09. Review status: criteria provided, single submitter. Criteria: EGL Classification Definitions 2015. Collection method: clinical testing. Allele origin: germline. Observed: 2 variant alleles, 2 hemizygotes.

Literature cited by the submitters: PubMed 39588385 (cited by Natera, Inc.); PubMed 25007885 (cited by Labcorp Genetics (formerly Invitae), Labcorp); PubMed 16770791 (cited by Labcorp Genetics (formerly Invitae), Labcorp).

NM_004006.3(DMD):c.1529_1530del (p.Leu510fs)

Gene: DMD (dystrophin; minus strand). Cytogenetic location: Xp21.1.
Variant type: Microsatellite.
Coding change: c.1529_1530del on transcript NM_004006.3 (MANE Select); coding-DNA positions 1529 to 1530, 2 bases deleted (TC; older notation c.1529_1530delTC).
Protein change: p.Leu510fs; shifts the reading frame from leucine 510.
Molecular consequence: frameshift variant.
Genome position (GRCh38, 1-based): chrX:32,595,829-32,595,830, GA deleted on the plus strand (TC on the coding strand, the reverse complement: DMD is on the minus strand); deleting any 2 consecutive bases within chrX:32,595,829-32,595,834 gives the same sequence; the c. name uses the placement nearest the transcript's 3' end. VCF-style (leftmost placement, unchanged base first): chrX-32595828-TGA-T. GRCh37 (hg19) VCF-style: chrX-32613945-TGA-T.
Other names: c.1505_1506del, p.Leu502fs (NM_000109.4); c.1517_1518del, p.Leu506fs (NM_004009.3); c.1160_1161del, p.Leu387fs (NM_004010.3); c.1529_1530delTC (NM_004006.3, NM_004006.2); short protein forms L387fs, L502fs, L506fs, L510fs.
Identifiers: ClinVar variation 94472 (VCV000094472.19), dbSNP rs398123863, ClinGen allele CA266894.